The following is an entry in ClinVar:

NM_032043.3(BRIP1):c.204T>A (p.Ser68Arg)

Gene: BRIP1 (BRCA1 interacting DNA helicase 1; minus strand). Cytogenetic location: 17q23.2.
Variant type: single nucleotide variant.
Coding change: c.204T>A on transcript NM_032043.3 (MANE Select); coding-DNA position 204, T replaced by A.
Protein change: p.Ser68Arg; replaces serine 68 with arginine.
Molecular consequence: missense variant.
Genome position (GRCh38, 1-based): chr17:61,859,797, A>T on the plus strand (T>A on the coding strand, the complement: BRIP1 is on the minus strand). VCF-style: chr17-61859797-A-T. GRCh37 (hg19) VCF-style: chr17-59937158-A-T.
Other names: short protein forms S68R.
Identifiers: ClinVar variation 3482431 (VCV003482431.1).

ClinVar aggregate classification (germline): Uncertain significance (1 of 4 stars; one submission).

Conditions:
Hereditary cancer-predisposing syndrome. Also called: Tumor predisposition; Neoplastic Syndromes, Hereditary; Hereditary Cancer Syndrome; Hereditary neoplastic syndrome. Identifiers: Orphanet 140162, MedGen C0027672, MeSH D009386, MONDO:0015356.

Submission:

Ambry Genetics
Classification: Uncertain significance for Hereditary cancer-predisposing syndrome. Last evaluated: 2024-07-07. Review status: criteria provided, single submitter. Criteria: Ambry Variant Classification Scheme 2023. Collection method: clinical testing. Allele origin: germline.
Comment: The p.S68R variant (also known as c.204T>A), located in coding exon 2 of the BRIP1 gene, results from a T to A substitution at nucleotide position 204. The serine at codon 68 is replaced by arginine, an amino acid with dissimilar properties. This amino acid position is conserved. In addition, this alteration is predicted to be tolerated by in silico analysis. Based on the available evidence, the clinical significance of this variant remains unclear.